The following is an entry in ClinVar:

NM_001009944.3(PKD1):c.11091C>T (p.His3697=)

Genes: PKD1 (polycystin 1, transient receptor potential channel interacting; minus strand), PKD1-AS1 (PKD1 antisense RNA 1; plus strand). Cytogenetic location: 16p13.3.
Variant type: single nucleotide variant.
Coding change: c.11091C>T on transcript NM_001009944.3 (MANE Select); coding-DNA position 11091, C replaced by T.
Protein change: p.His3697=; no amino-acid change (histidine 3697 retained).
Molecular consequence: synonymous variant.
Genome position (GRCh38, 1-based): chr16:2,093,019, G>A on the plus strand (C>T on the coding strand, the complement: PKD1 is on the minus strand). VCF-style: chr16-2093019-G-A. GRCh37 (hg19) VCF-style: chr16-2143020-G-A.
Other names: c.11088C>T, p.His3696= (NM_000296.4).
Identifiers: ClinVar variation 4989776 (VCV004989776.1).
Genomic context (GRCh38, chr16:2,093,019, plus strand): 5'-GATGGCCAGGAAGGCCCGGCTGTGCAGCTCCTGCTTGATGGCGCTTTGCAGACGGTAGGC[G>A]TGCCCATGGCATGAGGCATCCCCATAGCTGGCCAGCAGGGTCACCAGCAGAAAAAGCATG-3'
Protein context (NP_001009944.3, residues 3687-3707): ASYGDASCHG[His3697=]AYRLQSAIKQ

ClinVar aggregate classification (germline): Likely benign (1 of 4 stars; one submission).

Conditions:
PKD1-related disorder. Also called: PKD1-related condition.

gnomAD v4.1: 12 of 1,612,762 alleles (0.00074%); highest among the groups gnomAD compares: African/African-American, 0.0013%; no homozygotes.

Submission:

PreventionGenetics, part of Exact Sciences
Classification: Likely benign for PKD1-related condition. Last evaluated: 2026-03-29. Review status: criteria provided, single submitter. Criteria: ACMG Guidelines, 2015. Collection method: clinical testing. Allele origin: germline.
Comment: This variant is classified as likely benign based on ACMG/AMP sequence variant interpretation guidelines (Richards et al. 2015 PMID: 25741868, with internal and published modifications).